The following is an entry in ClinVar:

NM_006648.4(WNK2):c.4757A>G (p.Glu1586Gly)

Gene: WNK2 (WNK lysine deficient protein kinase 2; plus strand). Cytogenetic location: 9q22.31.
Variant type: single nucleotide variant.
Coding change: c.4757A>G on transcript NM_006648.4 (MANE Select); coding-DNA position 4757, A replaced by G.
Protein change: p.Glu1586Gly; replaces glutamic acid 1586 with glycine.
Molecular consequence: missense variant.
Genome position (GRCh38, 1-based): chr9:93,289,511, A>G. VCF-style: chr9-93289511-A-G. GRCh37 (hg19) VCF-style: chr9-96051793-A-G.
Other names: c.4868A>G, p.Glu1623Gly (NM_001282394.3); short protein forms E1586G, E1623G.
Identifiers: ClinVar variation 4866683 (VCV004866683.1).

ClinVar aggregate classification (germline): Uncertain significance (1 of 4 stars; one submission).

Submission:

Ambry Genetics
Classification: Uncertain significance. Last evaluated: 2026-05-18. Review status: criteria provided, single submitter. Criteria: Ambry Variant Classification Scheme 2023. Collection method: clinical testing. Allele origin: germline.
Comment: The p.E1586G variant (also known as c.4757A>G), located in coding exon 19 of the WNK2 gene, results from an A to G substitution at nucleotide position 4757. The glutamic acid at codon 1586 is replaced by glycine, an amino acid with similar properties. This amino acid position is conserved. In addition, this alteration is predicted to be tolerated by in silico analysis. Based on the available evidence, the clinical significance of this variant remains unclear.